The following is an entry in ClinVar:

ClinVar aggregate classification (germline): Likely benign. Review status: criteria provided, multiple submitters, no conflicts (2 of 4 stars). 2 submissions from 2 submitters: Likely benign (2). Last evaluated 2024-11-12.

Conditions:
Multiple acyl-CoA dehydrogenase deficiency (MADD). Also called: Glutaric aciduria, type 2; Glutaric Acidemia type 2; ETHYLMALONIC-ADIPICACIDURIA; GA II; Glutaric acidemia type II; GA 2. Identifiers: Orphanet 26791, MedGen C0268596, MONDO:0009282, OMIM 231680.

Allele frequency attached by ClinVar (database versions not stated): ExAC below 0.00001; TOPMed below 0.00001; gnomAD exomes 0.00001.
gnomAD v4.1: 8 of 1,549,876 alleles (0.00052%); highest among the groups gnomAD compares: Non-Finnish European, 0.0007%; no homozygotes.

Submissions (2):

Labcorp Genetics (formerly Invitae), Labcorp
Classification: Likely benign for Multiple acyl-CoA dehydrogenase deficiency. Last evaluated: 2024-11-12. Review status: criteria provided, single submitter. Criteria: Invitae Variant Classification Sherloc (09022015). Collection method: clinical testing. Allele origin: germline.

GeneDx
Classification: Likely benign. Last evaluated: 2018-02-01. Review status: criteria provided, single submitter. Criteria: GeneDx Variant Classification (06012015). Collection method: clinical testing. Allele origin: germline. Affected: yes.
Comment: This variant is considered likely benign or benign based on one or more of the following criteria: it is a conservative change, it occurs at a poorly conserved position in the protein, it is predicted to be benign by multiple in silico algorithms, and/or has population frequency not consistent with disease.

NM_001985.3(ETFB):c.597+8C>T

Gene: ETFB (electron transfer flavoprotein subunit beta; minus strand). Cytogenetic location: 19q13.41.
Variant type: single nucleotide variant.
Coding change: c.597+8C>T on transcript NM_001985.3 (MANE Select); 8 bases into the intron after coding-DNA position 597, C replaced by T.
Molecular consequence: intron variant.
Genome position (GRCh38, 1-based): chr19:51,346,892, G>A on the plus strand (C>T on the coding strand, the complement: ETFB is on the minus strand). VCF-style: chr19-51346892-G-A. GRCh37 (hg19) VCF-style: chr19-51850146-G-A.
Other names: c.870+8C>T (NM_001014763.1).
Identifiers: ClinVar variation 514924 (VCV000514924.6), dbSNP rs758639864, ClinGen allele CA9610712.
Genomic context (GRCh38, chr19:51,346,892, plus strand): 5'-GGGGGGCACTGGGCTGGCAATGTGCTTGCCACCCCCAGGCCCTCAGTGCCCGCTGGCCAG[G>A]GGCTCACCATGATGTTGGGCAGCGTGGCGTAGCGGGGCTCGTTGAGCCTCAGGTCAGCTG-3'